The following is an entry in ClinVar:

NM_032444.4(SLX4):c.3044G>A (p.Gly1015Glu)

Gene: SLX4 (SLX4 structure-specific endonuclease subunit; minus strand). Cytogenetic location: 16p13.3.
Variant type: single nucleotide variant.
Coding change: c.3044G>A on transcript NM_032444.4 (MANE Select); coding-DNA position 3044, G replaced by A.
Protein change: p.Gly1015Glu; replaces glycine 1015 with glutamic acid.
Molecular consequence: missense variant.
Genome position (GRCh38, 1-based): chr16:3,590,594, C>T on the plus strand (G>A on the coding strand, the complement: SLX4 is on the minus strand). VCF-style: chr16-3590594-C-T. GRCh37 (hg19) VCF-style: chr16-3640595-C-T.
Other names: short protein forms G1015E.
Identifiers: ClinVar variation 1518669 (VCV001518669.8), dbSNP rs2151124497, ClinGen allele CA394522219.
Genomic context (GRCh38, chr16:3,590,594, plus strand): 5'-AAGCGGCACGGGTGCGGTGGAGATGCCTGCCAGGGAGCCAGGCGATGAGAAACCTCCAGC[C>T]CCCTTTCCCTGACAGCGCCACTTTGTTCCTCGGGCTCACTTGTTATTTGGGACGGCTCTG-3'
Protein context (NP_115820.2, residues 1005-1025): EEQSGAVRER[Gly1015Glu]LEVSHRLAPW

ClinVar aggregate classification (germline): Uncertain significance (1 of 4 stars; one submission).

Conditions:
Fanconi anemia (FA). Also called: Fanconi's anemia. Identifiers: Orphanet 84, MedGen C0015625, MeSH D005199, MONDO:0019391.

gnomAD v4.1: 2 of 1,613,676 alleles (0.00012%); highest among the groups gnomAD compares: South Asian, 0.0011%; no homozygotes.

Submission:

Labcorp Genetics (formerly Invitae), Labcorp
Classification: Uncertain significance for Fanconi anemia. Last evaluated: 2022-01-26. Review status: criteria provided, single submitter. Criteria: Invitae Variant Classification Sherloc (09022015). Collection method: clinical testing. Allele origin: germline.
Comment: This sequence change replaces glycine, which is neutral and non-polar, with glutamic acid, which is acidic and polar, at codon 1015 of the SLX4 protein (p.Gly1015Glu). This variant is not present in population databases (gnomAD no frequency). This variant has not been reported in the literature in individuals affected with SLX4-related conditions. Algorithms developed to predict the effect of missense changes on protein structure and function output the following: SIFT: "Tolerated"; PolyPhen-2: "Benign"; Align-GVGD: "Class C0". The glutamic acid amino acid residue is found in multiple mammalian species, which suggests that this missense change does not adversely affect protein function. In summary, the available evidence is currently insufficient to determine the role of this variant in disease. Therefore, it has been classified as a Variant of Uncertain Significance.